The following is an entry in ClinVar:

NM_001134363.3(RBM20):c.973T>C (p.Phe325Leu)

Gene: RBM20 (RNA binding motif protein 20; plus strand). Cytogenetic location: 10q25.2.
Variant type: single nucleotide variant.
Coding change: c.973T>C on transcript NM_001134363.3 (MANE Select); coding-DNA position 973, T replaced by C.
Protein change: p.Phe325Leu; replaces phenylalanine 325 with leucine.
Molecular consequence: missense variant.
Genome position (GRCh38, 1-based): chr10:110,781,582, T>C. VCF-style: chr10-110781582-T-C. GRCh37 (hg19) VCF-style: chr10-112541340-T-C.
Other names: short protein forms F325L.
Identifiers: ClinVar variation 1768054 (VCV001768054.5), dbSNP rs1311664917, ClinGen allele CA378385068.
Genomic context (GRCh38, chr10:110,781,582, plus strand): 5'-AAAAGTGAGGTCGGGCCACTGCTGCAGGGCACAAACAGCCAATGGGAGAGCCCCCATGGA[T>C]TCTCGGGCCAAAGCAAGCCTGATCTCACAGCAGGTCCCATGTGGCCTCCACCCCACAACC-3'
Protein context (NP_001127835.2, residues 315-335): TNSQWESPHG[Phe325Leu]SGQSKPDLTA

ClinVar aggregate classification (germline): Uncertain significance. Review status: criteria provided, multiple submitters, no conflicts (2 of 4 stars). 2 submissions from 2 submitters: Uncertain significance (2). Last evaluated 2025-11-27.

Conditions:
Dilated cardiomyopathy 1DD (CMD1DD). Identifiers: Orphanet 154, MedGen C2750995, MONDO:0013168, OMIM 613172.
Cardiovascular phenotype. Identifiers: MedGen CN230736.

Allele frequency attached by ClinVar (database versions not stated): gnomAD 0.00001; TOPMed 0.00001.
gnomAD v4.1: 2 of 1,551,440 alleles (0.00013%); highest among the groups gnomAD compares: African/African-American, 0.0027%; no homozygotes.

Submissions (2):

Labcorp Genetics (formerly Invitae), Labcorp
Classification: Uncertain significance for Dilated cardiomyopathy 1DD. Last evaluated: 2025-11-27. Review status: criteria provided, single submitter. Criteria: Invitae Variant Classification Sherloc (09022015). Collection method: clinical testing. Allele origin: germline.
Comment: This sequence change replaces phenylalanine, which is neutral and non-polar, with leucine, which is neutral and non-polar, at codon 325 of the RBM20 protein (p.Phe325Leu). This variant is not present in population databases (gnomAD no frequency). This variant has not been reported in the literature in individuals affected with RBM20-related conditions. ClinVar contains an entry for this variant (Variation ID: 1768054). Invitae Evidence Modeling of protein sequence and biophysical properties (such as structural, functional, and spatial information, amino acid conservation, physicochemical variation, residue mobility, and thermodynamic stability) indicates that this missense variant is not expected to disrupt RBM20 protein function with a negative predictive value of 95%. In summary, the available evidence is currently insufficient to determine the role of this variant in disease. Therefore, it has been classified as a Variant of Uncertain Significance.

Ambry Genetics
Classification: Uncertain significance for Cardiovascular phenotype. Last evaluated: 2022-05-30. Review status: criteria provided, single submitter. Criteria: Ambry Variant Classification Scheme 2023. Collection method: clinical testing. Allele origin: germline.
Comment: The p.F325L variant (also known as c.973T>C), located in coding exon 2 of the RBM20 gene, results from a T to C substitution at nucleotide position 973. The phenylalanine at codon 325 is replaced by leucine, an amino acid with highly similar properties. This amino acid position is conserved. In addition, this alteration is predicted to be tolerated by in silico analysis. Since supporting evidence is limited at this time, the clinical significance of this alteration remains unclear.